The following is an entry in ClinVar:

ClinVar aggregate classification (germline): Uncertain significance (1 of 4 stars; one submission).

Conditions:
Nizon-Isidor syndrome. Identifiers: MedGen C5394350, MONDO:0030030, OMIM 618872.

gnomAD v4.1: 2 of 1,614,014 alleles (0.00012%); highest among the groups gnomAD compares: East Asian, 0.0022%; no homozygotes.

Submission:

Genetics Department, Catlab
Classification: Uncertain significance for Nizon-Isidor syndrome. Last evaluated: 2025-07-21. Review status: criteria provided, single submitter. Criteria: ACMG Guidelines, 2015. Collection method: clinical testing. Allele origin: germline. Affected: yes. Observed: 1 variant allele.
Comment: The c.3011C>A variant in the MED12L gene change alanine for glutamic acid at position 1004 of the protein. The variant has a very low allele frequency in gnomAD 4.1 ((AF=1.3682e-06) (PM2_moderate) and the prediction tool REVEL scores the effect of the variant with a 0.286 (BP4_supporting) The variant has not been previously found in patients to uor knowledge. With all the available evidence, the variant is classified as of uncertain significance.

NM_001393769.1(MED12L):c.3116C>A (p.Ala1039Glu)

Genes: MED12L (mediator complex subunit 12L; plus strand), P2RY12 (purinergic receptor P2Y12; minus strand). Cytogenetic location: 3q25.1.
Variant type: single nucleotide variant.
Coding change: c.3116C>A on transcript NM_001393769.1 (MANE Select); coding-DNA position 3116, C replaced by A.
Protein change: p.Ala1039Glu; replaces alanine 1039 with glutamic acid.
Molecular consequence: missense variant. On other transcripts: intron variant (1).
Genome position (GRCh38, 1-based): chr3:151,365,137, C>A. VCF-style: chr3-151365137-C-A. GRCh37 (hg19) VCF-style: chr3-151082925-C-A.
Other names: c.3011C>A, p.Ala1004Glu (NM_053002.6); c.-180+19555G>T (NM_022788.5); short protein forms A1004E, A1039E.
Identifiers: ClinVar variation 4537365 (VCV004537365.1).
Genomic context (GRCh38, chr3:151,365,137, plus strand): 5'-AGAATCCCTCAGCCCGCAGCATCAACTACTCAATGCTGGGCAAGATCCTCAGTGACAATG[C>A]GGCCAATCGCTACAGCTTTGTCTGCAATACACTCATGAATGTATGTATGGGCCATCAGGA-3'
Protein context (NP_001380698.1, residues 1029-1049): SMLGKILSDN[Ala1039Glu]ANRYSFVCNT